The following is an entry in ClinVar:

NM_024649.5(BBS1):c.480-5T>C

Gene: BBS1 (Bardet-Biedl syndrome 1; plus strand). Cytogenetic location: 11q13.2.
Variant type: single nucleotide variant.
Coding change: c.480-5T>C on transcript NM_024649.5 (MANE Select); 5 bases into the intron before coding-DNA position 480, T replaced by C.
Molecular consequence: intron variant.
Genome position (GRCh38, 1-based): chr11:66,515,688, T>C. VCF-style: chr11-66515688-T-C. GRCh37 (hg19) VCF-style: chr11-66283159-T-C.
Other names: c.480-5T>C (NM_024649.4).
Identifiers: ClinVar variation 2000141 (VCV002000141.5), dbSNP rs1332530635, ClinGen allele CA599875467.

ClinVar aggregate classification (germline): Likely benign. Review status: criteria provided, single submitter (1 of 4 stars). 2 submissions from 2 submitters: Likely benign (1). 1 of the submissions does not count toward it. Last evaluated 2022-05-28.

Conditions:
Bardet-Biedl syndrome (BBS). Identifiers: Orphanet 110, MedGen C0752166, MONDO:0015229.
BBS1-related disorder. Also called: BBS1-related condition.

Allele frequency attached by ClinVar (database versions not stated): gnomAD exomes below 0.00001; TOPMed below 0.00001; gnomAD 0.00001.
gnomAD v4.1: 3 of 1,614,082 alleles (0.00019%); highest among the groups gnomAD compares: Non-Finnish European, 0.00025%; no homozygotes.

Submissions (2):

Labcorp Genetics (formerly Invitae), Labcorp
Classification: Likely benign for Bardet-Biedl syndrome. Last evaluated: 2022-05-28. Review status: criteria provided, single submitter. Criteria: Invitae Variant Classification Sherloc (09022015). Collection method: clinical testing. Allele origin: germline.

PreventionGenetics, part of Exact Sciences
Classification: Likely benign for BBS1-related condition. Last evaluated: 2024-03-25. Review status: no assertion criteria provided. Collection method: clinical testing. Allele origin: germline. Not counted in ClinVar's aggregate classification.
Comment: This variant is classified as likely benign based on ACMG/AMP sequence variant interpretation guidelines (Richards et al. 2015 PMID: 25741868, with internal and published modifications).